The following is an entry in ClinVar:

NM_005732.4(RAD50):c.1145G>C (p.Gly382Ala)

Gene: RAD50 (RAD50 double strand break repair protein; plus strand). Cytogenetic location: 5q31.1.
Variant type: single nucleotide variant.
Coding change: c.1145G>C on transcript NM_005732.4 (MANE Select); coding-DNA position 1145, G replaced by C.
Protein change: p.Gly382Ala; replaces glycine 382 with alanine.
Molecular consequence: missense variant.
Genome position (GRCh38, 1-based): chr5:132,588,780, G>C. VCF-style: chr5-132588780-G-C. GRCh37 (hg19) VCF-style: chr5-131924472-G-C.
Other names: short protein forms G382A.
Identifiers: ClinVar variation 567120 (VCV000567120.9), dbSNP rs1561639516, ClinGen allele CA360942659.
Genomic context (GRCh38, chr5:132,588,780, plus strand): 5'-AACATATCCGAGCTAGAGATTCATTAATTCAGTCTTTGGCAACACAGCTAGAATTGGATG[G>C]CTTTGAGCGTGGACCATTCAGTGAAAGACAGATTAAAAATTTTCACAAACTTGTGAGAGA-3'
Protein context (NP_005723.2, residues 372-392): QSLATQLELD[Gly382Ala]FERGPFSERQ

ClinVar aggregate classification (germline): Uncertain significance (1 of 4 stars; one submission).

Conditions:
Hereditary cancer-predisposing syndrome. Also called: Neoplastic Syndromes, Hereditary; Tumor predisposition; Hereditary neoplastic syndrome; Hereditary Cancer Syndrome. Identifiers: Orphanet 140162, MedGen C0027672, MeSH D009386, MONDO:0015356.

Submission:

Labcorp Genetics (formerly Invitae), Labcorp
Classification: Uncertain significance for Hereditary cancer-predisposing syndrome. Last evaluated: 2020-06-29. Review status: criteria provided, single submitter. Criteria: Invitae Variant Classification Sherloc (09022015). Collection method: clinical testing. Allele origin: germline.
Comment: Algorithms developed to predict the effect of missense changes on protein structure and function are either unavailable or do not agree on the potential impact of this missense change (SIFT: "Tolerated"; PolyPhen-2: "Possibly Damaging"; Align-GVGD: "Class C0"). In summary, the available evidence is currently insufficient to determine the role of this variant in disease. Therefore, it has been classified as a Variant of Uncertain Significance. This variant has not been reported in the literature in individuals with RAD50-related disease. This variant is not present in population databases (ExAC no frequency). This sequence change replaces glycine with alanine at codon 382 of the RAD50 protein (p.Gly382Ala). The glycine residue is moderately conserved and there is a small physicochemical difference between glycine and alanine.